The following is an entry in ClinVar:

ClinVar aggregate classification (germline): Uncertain significance (1 of 4 stars; one submission).

Submission:

Labcorp Genetics (formerly Invitae), Labcorp
Classification: Uncertain significance. Last evaluated: 2021-10-17. Review status: criteria provided, single submitter. Criteria: Invitae Variant Classification Sherloc (09022015). Collection method: clinical testing. Allele origin: germline.
Comment: This variant occurs in the RNU4ATAC gene, which encodes an RNA molecule that does not result in a protein product. In summary, the available evidence is currently insufficient to determine the role of this variant in disease. Therefore, it has been classified as a Variant of Uncertain Significance. Experimental studies and prediction algorithms are not available or were not evaluated, and the functional significance of this variant is currently unknown. This variant has not been reported in the literature in individuals affected with RNU4ATAC-related conditions. The frequency data for this variant in the population databases is considered unreliable, as metrics indicate insufficient coverage at this position in the ExAC database.

NR_023343.3(RNU4ATAC):n.118_128dup

Genes: CLASP1 (cytoplasmic linker associated protein 1; minus strand), CLASP1-AS1 (CLASP1 antisense RNA 1; plus strand), RNU4ATAC (RNA, U4atac small nuclear; plus strand). Cytogenetic location: 2q14.2.
Variant type: Duplication.
Molecular consequence: intron variant (on NM_001395891.1).
Genome position: GRCh38 VCF-style: chr2-121530994-C-CAATTTTTGGAA. GRCh37 (hg19) VCF-style: chr2-122288570-C-CAATTTTTGGAA.
Other names: c.196-680_196-670dup (NM_001142274.2, NM_015282.3, NM_001378003.1 and 5 more transcripts).
Identifiers: ClinVar variation 1472567 (VCV001472567.7), dbSNP rs1559535214, ClinGen allele CA536071242.